The following is an entry in ClinVar:

ClinVar aggregate classification (germline): Uncertain significance. Review status: criteria provided, multiple submitters, no conflicts (2 of 4 stars). 2 submissions from 2 submitters: Uncertain significance (2). Last evaluated 2025-07-02.

Conditions:
TTN-related disorder. Also called: TTN-related disorders; TTN-related condition; TTN-related disease.

Allele frequency attached by ClinVar (database versions not stated): ExAC 0.00001; gnomAD 0.00001; gnomAD exomes 0.00001; TOPMed 0.00002; 1000 Genomes Project 30x 0.00016; 1000 Genomes Project 0.00020.
gnomAD v4.1: 5 of 1,612,254 alleles (0.00031%); highest among the groups gnomAD compares: African/African-American, 0.0067%; no homozygotes.

Submissions (2):

PreventionGenetics, part of Exact Sciences
Classification: Uncertain significance for TTN-related condition. Last evaluated: 2025-07-02. Review status: criteria provided, single submitter. Criteria: ACMG Guidelines, 2015. Collection method: clinical testing. Allele origin: germline.
Comment: The TTN c.43798A>G variant is predicted to result in the amino acid substitution p.Lys14600Glu. To our knowledge, this variant has not been reported in the literature. This variant is reported in 0.017% of alleles in individuals of African descent in gnomAD. At this time, the clinical significance of this variant is uncertain due to the absence of conclusive functional and genetic evidence.

GeneDx
Classification: Uncertain significance. Last evaluated: 2022-10-30. Review status: criteria provided, single submitter. Criteria: GeneDx Variant Classification Process June 2021. Collection method: clinical testing. Allele origin: germline. Affected: yes.
Comment: Not observed at significant frequency in large population cohorts (gnomAD); Missense variant in a gene in which most reported pathogenic variants are truncating/loss of function; Has not been previously published as pathogenic or benign to our knowledge

NM_001267550.2(TTN):c.43798A>G (p.Lys14600Glu)

Gene: TTN (titin; minus strand). Cytogenetic location: 2q31.2.
Variant type: single nucleotide variant.
Coding change: c.43798A>G on transcript NM_001267550.2 (MANE Select); coding-DNA position 43798, A replaced by G.
Protein change: p.Lys14600Glu; replaces lysine 14600 with glutamic acid.
Molecular consequence: missense variant.
Genome position (GRCh38, 1-based): chr2:178,631,250, T>C on the plus strand (A>G on the coding strand, the complement: TTN is on the minus strand). VCF-style: chr2-178631250-T-C. GRCh37 (hg19) VCF-style: chr2-179495977-T-C.
Other names: c.38875A>G, p.Lys12959Glu (NM_001256850.1); c.16603A>G, p.Lys5535Glu (NM_003319.4); c.36094A>G, p.Lys12032Glu (NM_133378.4); c.16978A>G, p.Lys5660Glu (NM_133432.3); c.17179A>G, p.Lys5727Glu (NM_133437.4); short protein forms K12032E, K12959E, K14600E, K5535E, K5660E, K5727E.
Identifiers: ClinVar variation 2501389 (VCV002501389.2), dbSNP rs543588487, ClinGen allele CA1995801.